The following is an entry in ClinVar:

ClinVar aggregate classification (germline): Uncertain significance (1 of 4 stars; one submission).

Allele frequency attached by ClinVar (database versions not stated): gnomAD exomes 0.00001.
gnomAD v4.1: 11 of 1,612,850 alleles (0.00068%); highest among the groups gnomAD compares: East Asian, 0.0022%; no homozygotes.

Submission:

CeGaT Center for Human Genetics Tuebingen
Classification: Uncertain significance. Last evaluated: 2022-11-01. Review status: criteria provided, single submitter. Criteria: CeGaT Center For Human Genetics Tuebingen Variant Classification Criteria Version 2. Collection method: clinical testing. Allele origin: germline. Affected: yes. Observed: 1 variant allele.
Comment: KIF23: PM2

NM_001367805.3(KIF23):c.1489T>C (p.Cys497Arg)

Gene: KIF23 (kinesin family member 23; plus strand). Cytogenetic location: 15q23.
Variant type: single nucleotide variant.
Coding change: c.1489T>C on transcript NM_001367805.3 (MANE Select); coding-DNA position 1489, T replaced by C.
Protein change: p.Cys497Arg; replaces cysteine 497 with arginine.
Molecular consequence: missense variant. On other transcripts: non-coding transcript variant (2).
Genome position (GRCh38, 1-based): chr15:69,436,614, T>C. VCF-style: chr15-69436614-T-C. GRCh37 (hg19) VCF-style: chr15-69728953-T-C.
Other names: c.1117T>C, p.Cys373Arg (NM_001281301.2); c.1447T>C, p.Cys483Arg (NM_001367804.2, NM_004856.7, NM_138555.4); short protein forms C373R, C483R, C497R.
Identifiers: ClinVar variation 2645495 (VCV002645495.24), dbSNP rs2057488128, ClinGen allele CA393007663.